The following is an entry in ClinVar:

ClinVar aggregate classification (germline): Conflicting classifications of pathogenicity. Review status: criteria provided, conflicting classifications (1 of 4 stars). 2 submissions from 2 submitters: Likely pathogenic (1); Likely benign (1). Last evaluated 2025-01-16.

Conditions:
Spondylocostal dysostosis 3, autosomal recessive (SCDO3). Also called: LFNG-Related Spondylocostal Dysostosis, Autosomal Recessive. Identifiers: Orphanet 2311, MedGen C1853296, MONDO:0012349, OMIM 609813.

Submissions (2):

First Genomix Gene Laboratory, Genetic Diagnostics Department
Classification: Likely pathogenic for Spondylocostal dysostosis 3, autosomal recessive. Last evaluated: 2025-01-16. Review status: criteria provided, single submitter. Criteria: ACMG Guidelines, 2015. Collection method: clinical testing. Allele origin: germline. Inheritance: Autosomal recessive inheritance. Affected: no. Observed: 1 variant allele.

Blueprint Genetics
Classification: Likely benign. Last evaluated: 2024-11-25. Review status: criteria provided, single submitter. Criteria: ACMG Guidelines, 2015. Collection method: clinical testing. Allele origin: germline.

NM_001166355.2(LFNG):c.159_166dup (p.Glu56fs)

Gene: LFNG (LFNG O-fucosylpeptide 3-beta-N-acetylglucosaminyltransferase; plus strand). Cytogenetic location: 7p22.3.
Variant type: Microsatellite.
Coding change: c.159_166dup on transcript NM_001166355.2; coding-DNA positions 159 to 166, 8 bases duplicated (GATGGATG; older notation c.159_166dupGATGGATG).
Protein change: p.Glu56fs; shifts the reading frame from glutamic acid 56.
Molecular consequence: frameshift variant.
Genome position (GRCh38, 1-based): chr7:2,513,268-2,513,275, GATGGATG duplicated; duplicating any 8 consecutive bases within chr7:2,513,248-2,513,275 gives the same sequence; the c. name uses the placement nearest the transcript's 3' end. VCF-style (leftmost placement, unchanged base first): chr7-2513247-A-AGATGGATG. GRCh37 (hg19) VCF-style: chr7-2552881-A-AGATGGATG.
Other names: c.159_166dupGATGGATG (NM_001166355.2); short protein forms E56fs.
Identifiers: ClinVar variation 4845695 (VCV004845695.2).